The following is an entry in ClinVar:

ClinVar aggregate classification (germline): Uncertain significance. Review status: criteria provided, multiple submitters, no conflicts (2 of 4 stars). 2 submissions from 2 submitters: Uncertain significance (2). Last evaluated 2025-09-26.

Conditions:
Factor I deficiency (CFID). Also called: Complement factor I deficiency. Identifiers: Orphanet 200418, MedGen C3463916, MONDO:0012594, OMIM 610984.

Allele frequency attached by ClinVar (database versions not stated): gnomAD exomes below 0.00001.
gnomAD v4.1: 1 of 1,614,138 alleles (0.000062%); highest among the groups gnomAD compares: Non-Finnish European, 0.000085%; no homozygotes.

Submissions (2):

Genomenon, Inc
Classification: Uncertain significance for Factor I deficiency. Last evaluated: 2025-09-26. Review status: criteria provided, single submitter. Criteria: Genomenon Sequence Variant Interpretation Standards - Updated. Collection method: curation. Allele origin: germline. Affected: yes.
Comment: CFI p.Gln88Lys (c.262C>A) is a missense variant that changes the amino acid at residue 88 from Glutamine to Lysine. This variant has been observed in at least one proband affected with complement factor I deficiency (PMID:31231365). It is absent or not present at a significant frequency in gnomAD. In silico models agree that this variant is not damaging. In conclusion, we classify CFI p.Gln88Lys (c.262C>A) as a variant of unknown significance.

Oxford Medical Genetics Laboratories, Oxford University Hospitals NHS Foundation Trust
Classification: Uncertain significance for Factor I deficiency. Last evaluated: 2023-03-23. Review status: criteria provided, single submitter. Criteria: ACMG Guidelines, 2015. Collection method: clinical testing. Allele origin: germline. Affected: yes.

Literature cited by the submitters: PubMed 31231365 (cited by Genomenon, Inc and Oxford Medical Genetics Laboratories, Oxford University Hospitals NHS Foundation Trust).

NM_000204.5(CFI):c.262C>A (p.Gln88Lys)

Gene: CFI (complement factor I; minus strand). Cytogenetic location: 4q25.
Variant type: single nucleotide variant.
Coding change: c.262C>A on transcript NM_000204.5 (MANE Select); coding-DNA position 262, C replaced by A.
Protein change: p.Gln88Lys; replaces glutamine 88 with lysine.
Molecular consequence: missense variant. On other transcripts: non-coding transcript variant (3), intron variant (1).
Genome position (GRCh38, 1-based): chr4:109,766,620, G>T on the plus strand (C>A on the coding strand, the complement: CFI is on the minus strand). VCF-style: chr4-109766620-G-T. GRCh37 (hg19) VCF-style: chr4-110687776-G-T.
Other names: c.262C>A, p.Gln88Lys (NM_001318057.2, NM_001331035.2, NM_001375278.1 and 5 more transcripts); c.-127-4928C>A (NM_001375284.1); short protein forms Q88K.
Identifiers: ClinVar variation 2498165 (VCV002498165.2), dbSNP rs2545456523, ClinGen allele CA357865172.